The following is an entry in ClinVar:

ClinVar aggregate classification (germline): Uncertain significance. Review status: criteria provided, multiple submitters, no conflicts (2 of 4 stars). 2 submissions from 2 submitters: Uncertain significance (2). Last evaluated 2025-03-17.

Conditions:
Inborn genetic diseases. Identifiers: MedGen C0950123, MeSH D030342.

Allele frequency attached by ClinVar (database versions not stated): ESP Exome Variant Server 0.00008; gnomAD exomes below 0.00001; TOPMed below 0.00001; ExAC 0.00001.
gnomAD v4.1: 6 of 1,613,900 alleles (0.00037%); highest among the groups gnomAD compares: African/African-American, 0.0027%; no homozygotes.

Submissions (2):

Labcorp Genetics (formerly Invitae), Labcorp
Classification: Uncertain significance. Last evaluated: 2025-03-17. Review status: criteria provided, single submitter. Criteria: Invitae Variant Classification Sherloc (09022015). Collection method: clinical testing. Allele origin: germline.
Comment: This sequence change replaces histidine, which is basic and polar, with tyrosine, which is neutral and polar, at codon 61 of the CNGA1 protein (p.His61Tyr). This variant is present in population databases (rs372341480, gnomAD 0.007%). This variant has not been reported in the literature in individuals affected with CNGA1-related conditions. ClinVar contains an entry for this variant (Variation ID: 3146431). An algorithm developed to predict the effect of missense changes on protein structure and function outputs the following: PolyPhen-2: "Benign". The tyrosine amino acid residue is found in multiple mammalian species, which suggests that this missense change does not adversely affect protein function. In summary, the available evidence is currently insufficient to determine the role of this variant in disease. Therefore, it has been classified as a Variant of Uncertain Significance.

Ambry Genetics
Classification: Uncertain significance for Inborn genetic diseases. Last evaluated: 2024-02-28. Review status: criteria provided, single submitter. Criteria: Ambry Variant Classification Scheme 2023. Collection method: clinical testing. Allele origin: germline.

NM_001379270.1(CNGA1):c.169C>T (p.His57Tyr)

Genes: CNGA1 (cyclic nucleotide gated channel subunit alpha 1; minus strand), LOC101927157 (uncharacterized LOC101927157; plus strand). Cytogenetic location: 4p12.
Variant type: single nucleotide variant.
Coding change: c.169C>T on transcript NM_001379270.1 (MANE Select); coding-DNA position 169, C replaced by T.
Protein change: p.His57Tyr; replaces histidine 57 with tyrosine.
Molecular consequence: missense variant.
Genome position (GRCh38, 1-based): chr4:47,951,408, G>A on the plus strand (C>T on the coding strand, the complement: CNGA1 is on the minus strand). VCF-style: chr4-47951408-G-A. GRCh37 (hg19) VCF-style: chr4-47953425-G-A.
Other names: c.169C>T, p.His57Tyr (NM_000087.5, NM_001142564.2); c.181C>T, p.His61Tyr (NM_001375386.1); short protein forms H57Y, H61Y.
Identifiers: ClinVar variation 3146431 (VCV003146431.3), dbSNP rs372341480, ClinGen allele CA2911363.